The following is an entry in ClinVar:

NM_000302.4(PLOD1):c.1651-2A>C

Gene: PLOD1 (procollagen-lysine,2-oxoglutarate 5-dioxygenase 1; plus strand). Cytogenetic location: 1p36.22.
Variant type: single nucleotide variant.
Coding change: c.1651-2A>C on transcript NM_000302.4 (MANE Select); the canonical splice acceptor site of the intron before coding-DNA position 1651, A replaced by C.
Molecular consequence: splice acceptor variant.
Genome position (GRCh38, 1-based): chr1:11,966,985, A>C. VCF-style: chr1-11966985-A-C. GRCh37 (hg19) VCF-style: chr1-12027042-A-C.
Other names: c.1792-2A>C (NM_001316320.2).
Identifiers: ClinVar variation 548602 (VCV000548602.6), dbSNP rs565513365, ClinGen allele CA338447352.

ClinVar aggregate classification (germline): Conflicting classifications of pathogenicity. Review status: criteria provided, conflicting classifications (1 of 4 stars). 2 submissions from 2 submitters: Pathogenic (1); Uncertain significance (1). Last evaluated 2023-05-02.

Conditions:
Ehlers-Danlos syndrome, kyphoscoliotic type 1 (EDSKSCL1). Also called: EHLERS-DANLOS SYNDROME, TYPE VIA; PLOD1-Related Kyphoscoliotic Ehlers-Danlos Syndrome; EHLERS-DANLOS SYNDROME, OCULAR-SCOLIOTIC TYPE; Ehlers-Danlos syndrome, hydroxylysine-deficient. Identifiers: Orphanet 1900, MedGen C0268342, MONDO:0016002, OMIM 225400. Disease mechanism: loss of function.

gnomAD v4.1: 1 of 1,603,404 alleles (0.000062%); highest among the groups gnomAD compares: Non-Finnish European, 0.000085%; no homozygotes.

Submissions (2):

Broad Center for Mendelian Genomics, Broad Institute of MIT and Harvard
Classification: Uncertain significance for Ehlers-Danlos syndrome, kyphoscoliotic type 1. Last evaluated: 2023-05-02. Review status: criteria provided, single submitter. Criteria: ACMG Guidelines, 2015. Collection method: curation. Allele origin: germline. Inheritance: Autosomal recessive inheritance.
Comment: The c.1651-2A>C variant in PLOD1 has not been previously reported in individuals with Ehlers-Danlos syndrome kyphoscoliotic type 1. This variant is absent in population databases. This variant has also been reported in ClinVar (Variation ID: 548602) and has been interpreted as pathogenic by the Genomic Research Center, Shahid Beheshti University of Medical Sciences. A different nucleotide change that also results in a splice acceptor variant at the same site, c.1651-2A>G (ClinVar Variation ID: 265507), has been previously reported pathogenic, and the variant being assessed here, c.1651-2A>C, is predicted by SpliceAI to have a similar effect on splicing. This variant is located in the 3' splice region. Computational tools predict a splicing impact, though this information is not predictive enough to determine pathogenicity. There is an in-frame cryptic splice site 39 bases from the intron-exon boundary, providing evidence that this variant may add 13 amino acids instead of causing loss of function. However, this information is not predictive enough to determine pathogenicity. Loss of function of the PLOD1 gene is an established disease mechanism in autosomal recessive Ehlers-Danlos syndrome kyphoscoliotic type 1. In summary, while there is some suspicion for a pathogenic role, the clinical significance of this variant is uncertain. ACMG/AMP Criteria applied: PVS1_Moderate, PS1_Supporting, PM2_Supporting, PM3_Supporting (Richards 2015).

Genomic Research Center, Shahid Beheshti University of Medical Sciences
Classification: Pathogenic for Ehlers-Danlos syndrome, kyphoscoliotic type 1. Last evaluated: 2018-03-05. Review status: criteria provided, single submitter. Criteria: ACMG Guidelines, 2015. Collection method: clinical testing. Allele origin: inherited. Affected: yes. Observed: 1 variant allele.